The following is an entry in ClinVar:

ClinVar aggregate classification (germline): Likely benign (0 of 4 stars; one submission).

Conditions:
NUP205-related disorder. Also called: NUP205-related condition.

Allele frequency attached by ClinVar (database versions not stated): 1000 Genomes Project 0.00020; gnomAD exomes 0.00002; gnomAD 0.00005; ExAC 0.00008; TOPMed 0.00008; 1000 Genomes Project 30x 0.00016.
gnomAD v4.1: 47 of 1,609,770 alleles (0.0029%); highest among the groups gnomAD compares: East Asian, 0.091%; no homozygotes.

Submission:

PreventionGenetics, part of Exact Sciences
Classification: Likely benign for NUP205-related condition. Last evaluated: 2023-08-30. Review status: no assertion criteria provided. Collection method: clinical testing. Allele origin: germline.
Comment: This variant is classified as likely benign based on ACMG/AMP sequence variant interpretation guidelines (Richards et al. 2015 PMID: 25741868, with internal and published modifications).

NM_015135.3(NUP205):c.5813-4C>G

Gene: NUP205 (nucleoporin 205; plus strand). Cytogenetic location: 7q33.
Variant type: single nucleotide variant.
Coding change: c.5813-4C>G on transcript NM_015135.3 (MANE Select); 4 bases into the intron before coding-DNA position 5813, C replaced by G.
Molecular consequence: intron variant.
Genome position (GRCh38, 1-based): chr7:135,646,154, C>G. VCF-style: chr7-135646154-C-G. GRCh37 (hg19) VCF-style: chr7-135330902-C-G.
Other names: c.4739-4C>G (NM_001329434.2).
Identifiers: ClinVar variation 3054759 (VCV003054759.2), dbSNP rs557946010, ClinGen allele CA4499303.